The following is an entry in ClinVar:

ClinVar aggregate classification (germline): Uncertain significance (1 of 4 stars; one submission).

gnomAD v4.1: 1 of 1,613,984 alleles (0.000062%); highest among the groups gnomAD compares: Non-Finnish European, 0.000085%; no homozygotes.

Submission:

Women's Health and Genetics/Laboratory Corporation of America, LabCorp
Classification: Uncertain significance. Last evaluated: 2025-09-04. Review status: criteria provided, single submitter. Criteria: LabCorp Variant Classification Summary - May 2015. Collection method: clinical testing. Allele origin: germline.
Comment: Variant summary: PCNT c.1343A>G (p.Glu448Gly) results in a non-conservative amino acid change in the encoded protein sequence. Algorithms developed to predict the effect of missense changes on protein structure and function are either unavailable or do not agree on the potential impact of this missense change. Several computational tools predict a significant impact on normal splicing: Two predict the variant abolishes a 5' splicing donor site. One predict the variant weakens a 5' donor site. However, these predictions have yet to be confirmed by functional studies. The variant was absent in 251458 control chromosomes. The available data on variant occurrences in the general population are insufficient to allow any conclusion about variant significance. To our knowledge, no occurrence of c.1343A>G in individuals affected with PCNT-related conditions and no experimental evidence demonstrating its impact on protein function have been reported. No submitters have cited clinical-significance assessments for this variant to ClinVar. Based on the evidence outlined above, the variant was classified as uncertain significance.

NM_006031.6(PCNT):c.1343A>G (p.Glu448Gly)

Gene: PCNT (pericentrin; plus strand). Cytogenetic location: 21q22.3.
Variant type: single nucleotide variant.
Coding change: c.1343A>G on transcript NM_006031.6 (MANE Select); coding-DNA position 1343, A replaced by G.
Protein change: p.Glu448Gly; replaces glutamic acid 448 with glycine.
Molecular consequence: missense variant.
Genome position (GRCh38, 1-based): chr21:46,349,819, A>G. VCF-style: chr21-46349819-A-G. GRCh37 (hg19) VCF-style: chr21-47769733-A-G.
Other names: c.989A>G, p.Glu330Gly (NM_001315529.2); short protein forms E330G, E448G.
Identifiers: ClinVar variation 4535770 (VCV004535770.1).